The following is an entry in ClinVar:

ClinVar aggregate classification (germline): Uncertain significance. Review status: criteria provided, multiple submitters, no conflicts (2 of 4 stars). 2 submissions from 2 submitters: Uncertain significance (2). Last evaluated 2022-02-03.

Conditions:
Knobloch syndrome (KNO). Also called: RETINAL DETACHMENT AND OCCIPITAL ENCEPHALOCELE; Myopia retinal detachment encephalocele. Identifiers: Orphanet 1571, MedGen C1849409, MONDO:0800166.

Allele frequency attached by ClinVar (database versions not stated): TOPMed 0.00002; gnomAD exomes 0.00011; ExAC 0.00012; gnomAD 0.00018 and 0.00019.
gnomAD v4.1: 94 of 1,610,960 alleles (0.0058%); highest among the groups gnomAD compares: South Asian, 0.0055%; no homozygotes.

Submissions (2):

Labcorp Genetics (formerly Invitae), Labcorp
Classification: Uncertain significance. Last evaluated: 2022-02-03. Review status: criteria provided, single submitter. Criteria: Invitae Variant Classification Sherloc (09022015). Collection method: clinical testing. Allele origin: germline.
Comment: In summary, the available evidence is currently insufficient to determine the role of this variant in disease. Therefore, it has been classified as a Variant of Uncertain Significance. Experimental studies and prediction algorithms are not available or were not evaluated, and the functional significance of this variant is currently unknown. ClinVar contains an entry for this variant (Variation ID: 896560). This variant has not been reported in the literature in individuals affected with COL18A1-related conditions. This variant is present in population databases (rs761342635, gnomAD 0.1%). This sequence change replaces glycine, which is neutral and non-polar, with arginine, which is basic and polar, at codon 532 of the COL18A1 protein (p.Gly532Arg).

Illumina Laboratory Services, Illumina
Classification: Uncertain significance for Knobloch syndrome 1. Last evaluated: 2018-01-12. Review status: criteria provided, single submitter. Criteria: ICSL Variant Classification Criteria 13 December 2019. Collection method: clinical testing. Allele origin: germline.

NM_001379500.1(COL18A1):c.1594G>A (p.Gly532Arg)

Gene: COL18A1 (collagen type XVIII alpha 1 chain; plus strand). Cytogenetic location: 21q22.3.
Variant type: single nucleotide variant.
Coding change: c.1594G>A on transcript NM_001379500.1 (MANE Select); coding-DNA position 1594, G replaced by A.
Protein change: p.Gly532Arg; replaces glycine 532 with arginine.
Molecular consequence: missense variant.
Genome position (GRCh38, 1-based): chr21:45,480,841, G>A. VCF-style: chr21-45480841-G-A. GRCh37 (hg19) VCF-style: chr21-46900755-G-A.
Other names: NM_130445.2:c.1594G>A; c.2134G>A, p.Gly712Arg (NM_030582.4); c.2839G>A, p.Gly947Arg (NM_130444.3); short protein forms G947R, G712R, G532R.
Identifiers: ClinVar variation 896560 (VCV000896560.9), dbSNP rs761342635, ClinGen allele CA10066398.